The following is an entry in ClinVar:

ClinVar aggregate classification (germline): Conflicting classifications of pathogenicity. Review status: criteria provided, conflicting classifications (1 of 4 stars). 2 submissions from 2 submitters: Likely pathogenic (1); Uncertain significance (1). Last evaluated 2025-04-02.

Conditions:
Dilated cardiomyopathy 1G (CMD1G). Identifiers: Orphanet 154, MedGen C1858763, MONDO:0011400, OMIM 604145.
Autosomal recessive limb-girdle muscular dystrophy type 2J (LGMDR10). Also called: MUSCULAR DYSTROPHY, LIMB-GIRDLE, AUTOSOMAL RECESSIVE 10; Limb-girdle muscular dystrophy, type 2J. Identifiers: Orphanet 140922, MedGen C1837342, MONDO:0012127, OMIM 608807.

Submissions (2):

Labcorp Genetics (formerly Invitae), Labcorp
Classification: Likely pathogenic for Dilated cardiomyopathy 1G; Autosomal recessive limb-girdle muscular dystrophy type 2J. Last evaluated: 2025-04-02. Review status: criteria provided, single submitter. Criteria: Invitae Variant Classification Sherloc (09022015). Collection method: clinical testing. Allele origin: germline.
Comment: This sequence change affects an acceptor splice site in intron 117 of the TTN gene. It is expected to disrupt RNA splicing. Variants that disrupt the donor or acceptor splice site typically lead to a loss of protein function (PMID: 16199547), and loss-of-function variants in TTN are known to be pathogenic (PMID: 17444505, 22335739, 22577215, 23486992, 23606733, 23975875, 24395473). This variant is not present in population databases (gnomAD no frequency). This variant has not been observed in the literature in individuals with autosomal recessive TTN-related conditions. This variant has been reported in individual(s) with autosomal dominant dilated cardiomyopathy (PMID: 22335739); however, the role of the variant in this condition is currently unclear. ClinVar contains an entry for this variant (Variation ID: 2437638). Algorithms developed to predict the effect of sequence changes on RNA splicing suggest that this variant may disrupt the consensus splice site. This variant is located in the I band of TTN (PMID: 25589632). Truncating variants in this region have been reported in individuals affected with autosomal recessive centronuclear myopathy (PMID: 23975875, internal data). Truncating variants in this region have also been identified in individuals affected with autosomal dominant dilated cardiomyopathy and/or cardio-related conditions (PMID: 27869827, 32964742, internal data). In summary, the currently available evidence indicates that the variant is pathogenic, but additional data are needed to prove that conclusively. Therefore, this variant has been classified as Likely Pathogenic.

Revvity Omics, Revvity
Classification: Uncertain significance. Last evaluated: 2019-08-05. Review status: criteria provided, single submitter. Criteria: ACMG Guidelines, 2015. Collection method: clinical testing. Allele origin: germline.

Literature cited by the submitters: PubMed 16199547 (cited by Labcorp Genetics (formerly Invitae), Labcorp); PubMed 17444505 (cited by Labcorp Genetics (formerly Invitae), Labcorp); PubMed 22335739 (cited by Labcorp Genetics (formerly Invitae), Labcorp); PubMed 22577215 (cited by Labcorp Genetics (formerly Invitae), Labcorp); PubMed 23486992 (cited by Labcorp Genetics (formerly Invitae), Labcorp); PubMed 23606733 (cited by Labcorp Genetics (formerly Invitae), Labcorp); PubMed 23975875 (cited by Labcorp Genetics (formerly Invitae), Labcorp); PubMed 24395473 (cited by Labcorp Genetics (formerly Invitae), Labcorp); PubMed 25589632 (cited by Labcorp Genetics (formerly Invitae), Labcorp); PubMed 27869827 (cited by Labcorp Genetics (formerly Invitae), Labcorp); PubMed 32964742 (cited by Labcorp Genetics (formerly Invitae), Labcorp).

NM_001267550.2(TTN):c.31427-1G>T

Gene: TTN (titin; minus strand). Cytogenetic location: 2q31.2.
Variant type: single nucleotide variant.
Coding change: c.31427-1G>T on transcript NM_001267550.2 (MANE Select); the canonical splice acceptor site of the intron before coding-DNA position 31427, G replaced by T.
Molecular consequence: splice acceptor variant. On other transcripts: intron variant (3).
Genome position (GRCh38, 1-based): chr2:178,694,009, C>A on the plus strand (G>T on the coding strand, the complement: TTN is on the minus strand). VCF-style: chr2-178694009-C-A. GRCh37 (hg19) VCF-style: chr2-179558736-C-A.
Other names: c.13282+44073G>T (NM_003319.4); c.13858+44073G>T (NM_133437.4); c.13657+44073G>T (NM_133432.3); c.27695-1G>T (NM_133378.4); c.30476-1G>T (NM_001256850.1).
Identifiers: ClinVar variation 2437638 (VCV002437638.4), dbSNP rs2474592385, ClinGen allele CA349562124.